The following is an entry in ClinVar:

NM_015158.5(KANK1):c.2086A>C (p.Thr696Pro)

Gene: KANK1 (KN motif and ankyrin repeat domains 1; plus strand). Cytogenetic location: 9p24.3.
Variant type: single nucleotide variant.
Coding change: c.2086A>C on transcript NM_015158.5 (MANE Select); coding-DNA position 2086, A replaced by C.
Protein change: p.Thr696Pro; replaces threonine 696 with proline.
Molecular consequence: missense variant. On other transcripts: non-coding transcript variant (1).
Genome position (GRCh38, 1-based): chr9:712,852, A>C. VCF-style: chr9-712852-A-C. GRCh37 (hg19) VCF-style: chr9-712852-A-C.
Other names: c.2086A>C (NM_015158.3); c.2086A>C, p.Thr696Pro (NM_001256876.3, NM_001256877.3, NM_001354331.2 and 2 more transcripts); c.1612A>C, p.Thr538Pro (NM_001354333.2, NM_001354335.2, NM_001354336.2 and 9 more transcripts); short protein forms T696P, T538P.
Identifiers: ClinVar variation 2759146 (VCV002759146.4), dbSNP rs370926594, ClinGen allele CA4960414.

ClinVar aggregate classification (germline): Uncertain significance. Review status: criteria provided, multiple submitters, no conflicts (2 of 4 stars). 2 submissions from 2 submitters: Uncertain significance (2). Last evaluated 2025-07-03.

Conditions:
KANK1-related disorder. Also called: KANK1-related condition.

Allele frequency attached by ClinVar (database versions not stated): gnomAD 0.00001; gnomAD exomes 0.00001; ExAC 0.00002; TOPMed 0.00003.
gnomAD v4.1: 22 of 1,613,694 alleles (0.0014%); highest among the groups gnomAD compares: East Asian, 0.018%; 1 homozygote.

Submissions (2):

PreventionGenetics, part of Exact Sciences
Classification: Uncertain significance for KANK1-related condition. Last evaluated: 2025-07-03. Review status: criteria provided, single submitter. Criteria: ACMG Guidelines, 2015. Collection method: clinical testing. Allele origin: germline.
Comment: The KANK1 c.2086A>C variant is predicted to result in the amino acid substitution p.Thr696Pro. To our knowledge, this variant has not been reported in the literature. This variant is reported in 0.060% of alleles in individuals of East Asian descent in gnomAD. At this time, the clinical significance of this variant is uncertain due to the absence of conclusive functional and genetic evidence.

Labcorp Genetics (formerly Invitae), Labcorp
Classification: Uncertain significance. Last evaluated: 2022-12-25. Review status: criteria provided, single submitter. Criteria: Invitae Variant Classification Sherloc (09022015). Collection method: clinical testing. Allele origin: germline.
Comment: In summary, the available evidence is currently insufficient to determine the role of this variant in disease. Therefore, it has been classified as a Variant of Uncertain Significance. This sequence change replaces threonine, which is neutral and polar, with proline, which is neutral and non-polar, at codon 696 of the KANK1 protein (p.Thr696Pro). This variant is present in population databases (rs370926594, gnomAD 0.06%). This variant has not been reported in the literature in individuals affected with KANK1-related conditions. Advanced modeling of protein sequence and biophysical properties (such as structural, functional, and spatial information, amino acid conservation, physicochemical variation, residue mobility, and thermodynamic stability) performed at Invitae indicates that this missense variant is expected to disrupt KANK1 protein function.